The following is an entry in ClinVar:

ClinVar aggregate classification (germline): Uncertain significance (1 of 4 stars; one submission).

Conditions:
Neurofibromatosis, type 1 (NF1). Also called: VON RECKLINGHAUSEN DISEASE; Peripheral type neurofibromatosis; NEUROFIBROMATOSIS, TYPE I, SOMATIC; Neurofibromatosis, type I. Identifiers: Orphanet 636, MedGen C0027831, MONDO:0018975, OMIM 162200. Disease mechanism: loss of function.

Submission:

Labcorp Genetics (formerly Invitae), Labcorp
Classification: Uncertain significance for Neurofibromatosis, type 1. Last evaluated: 2024-12-31. Review status: criteria provided, single submitter. Criteria: Invitae Variant Classification Sherloc (09022015). Collection method: clinical testing. Allele origin: germline.
Comment: This sequence change replaces serine, which is neutral and polar, with arginine, which is basic and polar, at codon 1474 of the NF1 protein (p.Ser1474Arg). This variant is not present in population databases (gnomAD no frequency). This variant has not been reported in the literature in individuals affected with NF1-related conditions. Invitae Evidence Modeling of protein sequence and biophysical properties (such as structural, functional, and spatial information, amino acid conservation, physicochemical variation, residue mobility, and thermodynamic stability) indicates that this missense variant is expected to disrupt NF1 protein function with a positive predictive value of 95%. In summary, the available evidence is currently insufficient to determine the role of this variant in disease. Therefore, it has been classified as a Variant of Uncertain Significance.

NM_001042492.3(NF1):c.4483A>C (p.Ser1495Arg)

Gene: NF1 (neurofibromin 1; plus strand). Cytogenetic location: 17q11.2.
Variant type: single nucleotide variant.
Coding change: c.4483A>C on transcript NM_001042492.3 (MANE Select); coding-DNA position 4483, A replaced by C.
Protein change: p.Ser1495Arg; replaces serine 1495 with arginine.
Molecular consequence: missense variant.
Genome position (GRCh38, 1-based): chr17:31,260,421, A>C. VCF-style: chr17-31260421-A-C. GRCh37 (hg19) VCF-style: chr17-29587439-A-C.
Other names: c.4420A>C, p.Ser1474Arg (NM_000267.4); short protein forms S1495R, S1474R.
Identifiers: ClinVar variation 3634555 (VCV003634555.2).